The following is an entry in ClinVar:

NM_001363711.2(DUOX2):c.*432G>A

Gene: DUOX2 (dual oxidase 2; minus strand). Cytogenetic location: 15q21.1.
Variant type: single nucleotide variant.
Coding change: c.*432G>A on transcript NM_001363711.2 (MANE Select); 432 bases downstream of the stop codon, G replaced by A.
Molecular consequence: 3 prime UTR variant.
Genome position (GRCh38, 1-based): chr15:45,093,718, C>T on the plus strand (G>A on the coding strand, the complement: DUOX2 is on the minus strand). VCF-style: chr15-45093718-C-T. GRCh37 (hg19) VCF-style: chr15-45385916-C-T.
Other names: c.*432G>A (NM_014080.5).
Identifiers: ClinVar variation 316130 (VCV000316130.6), dbSNP rs10851420, ClinGen allele CA10647017.

ClinVar aggregate classification (germline): Benign. Review status: criteria provided, multiple submitters, no conflicts (2 of 4 stars). 2 submissions from 2 submitters: Benign (2). Last evaluated 2018-01-13.

Conditions:
Thyroid dyshormonogenesis 6 (TDH6). Also called: THYROID HORMONOGENESIS, GENETIC DEFECT IN, 6; Genetic transient congenital hypothyroidism; HYPOTHYROIDISM, CONGENITAL, DUE TO DYSHORMONOGENESIS, 6. Identifiers: Orphanet 226316, Orphanet 95716, MedGen C1846632, MONDO:0011792, OMIM 607200.

Allele frequency attached by ClinVar (database versions not stated): gnomAD exomes 0.09091; gnomAD 0.21152; 1000 Genomes Project 0.22524; TOPMed 0.23158; 1000 Genomes Project 30x 0.24204.
gnomAD v4.1: 36,087 of 193,802 alleles (19%); highest among the groups gnomAD compares: African/African-American, 57%; 7,738 homozygotes.

Submissions (2):

Illumina Laboratory Services, Illumina
Classification: Benign for Thyroid dyshormonogenesis 6. Last evaluated: 2018-01-13. Review status: criteria provided, single submitter. Criteria: ICSL Variant Classification Criteria 13 December 2019. Collection method: clinical testing. Allele origin: germline.
Comment: This variant was observed in the ICSL laboratory as part of a predisposition screen in an ostensibly healthy population. It had not been previously curated by ICSL or reported in the Human Gene Mutation Database (HGMD: prior to June 1st, 2018), and was therefore a candidate for classification through an automated scoring system. Utilizing variant allele frequency, disease prevalence and penetrance estimates, and inheritance mode, an automated score was calculated to assess if this variant is too frequent to cause the disease. Based on the score and internal cut-off values, a variant classified as benign is not then subjected to further curation. The score for this variant resulted in a classification of benign for this disease.

Breakthrough Genomics
Classification: Benign. Review status: criteria provided, single submitter. Criteria: ACMG Guidelines, 2015. Collection method: not provided. Allele origin: germline. Inheritance: Autosomal recessive inheritance. Affected: yes.